The following is an entry in ClinVar:

NM_002485.5(NBN):c.1948C>G (p.Leu650Val)

Gene: NBN (nibrin; minus strand). Cytogenetic location: 8q21.3.
Variant type: single nucleotide variant.
Coding change: c.1948C>G on transcript NM_002485.5 (MANE Select); coding-DNA position 1948, C replaced by G.
Protein change: p.Leu650Val; replaces leucine 650 with valine.
Molecular consequence: missense variant.
Genome position (GRCh38, 1-based): chr8:89,946,262, G>C on the plus strand (C>G on the coding strand, the complement: NBN is on the minus strand). VCF-style: chr8-89946262-G-C. GRCh37 (hg19) VCF-style: chr8-90958490-G-C.
Other names: c.1702C>G, p.Leu568Val (NM_001024688.3, NM_001440379.1, NM_001440380.1); short protein forms L568V, L650V.
Identifiers: ClinVar variation 4860766 (VCV004860766.1).
Genomic context (GRCh38, chr8:89,946,262, plus strand): 5'-TGGAAGTAGAGTTTTTAATCACCAGTGATCTAAATTCAGTCAATAACAGCTTTTTTGGAA[G>C]CATCTCACTATCATCCTGAAGTTTGTCATTGTTCTTAAATGGGGTTAAGATGGATAGGTA-3'
Protein context (NP_002476.2, residues 640-660): NDKLQDDSEM[Leu650Val]PKKLLLTEFR

ClinVar aggregate classification (germline): Uncertain significance (1 of 4 stars; one submission).

Conditions:
Hereditary cancer-predisposing syndrome. Also called: Neoplastic Syndromes, Hereditary; Tumor predisposition; Hereditary Cancer Syndrome; Hereditary neoplastic syndrome. Identifiers: Orphanet 140162, MedGen C0027672, MeSH D009386, MONDO:0015356.

Submission:

Ambry Genetics
Classification: Uncertain significance for Hereditary cancer-predisposing syndrome. Last evaluated: 2026-06-13. Review status: criteria provided, single submitter. Criteria: Ambry Variant Classification Scheme 2023. Collection method: clinical testing. Allele origin: germline.
Comment: The p.L650V variant (also known as c.1948C>G), located in coding exon 13 of the NBN gene, results from a C to G substitution at nucleotide position 1948. The leucine at codon 650 is replaced by valine, an amino acid with highly similar properties. This amino acid position is conserved. In addition, this alteration is predicted to be tolerated by in silico analysis. Based on the available evidence, the clinical significance of this variant remains unclear.